The following is an entry in ClinVar:

ClinVar aggregate classification (germline): Conflicting classifications of pathogenicity. Review status: criteria provided, conflicting classifications (1 of 4 stars). 2 submissions from 2 submitters: Uncertain significance (1); Likely benign (1). Last evaluated 2025-10-26.

Conditions:
Focal segmental glomerulosclerosis 5 (FSGS5). Identifiers: Orphanet 656, MedGen C2750475, MONDO:0013191, OMIM 613237.
Charcot-Marie-Tooth disease dominant intermediate E. Also called: CHARCOT-MARIE-TOOTH NEUROPATHY WITH FOCAL SEGMENTAL GLOMERULONEPHRITIS. Identifiers: Orphanet 93114, MedGen C4302667, MONDO:0013758, OMIM 614455.

Allele frequency attached by ClinVar (database versions not stated): gnomAD exomes 0.00001 and 0.00002; gnomAD 0.00002.
gnomAD v4.1: 21 of 1,305,422 alleles (0.0016%); highest among the groups gnomAD compares: Non-Finnish European, 0.0021%; no homozygotes.

Submissions (2):

Labcorp Genetics (formerly Invitae), Labcorp
Classification: Uncertain significance for Charcot-Marie-Tooth disease dominant intermediate E; Focal segmental glomerulosclerosis 5. Last evaluated: 2025-10-26. Review status: criteria provided, single submitter. Criteria: Invitae Variant Classification Sherloc (09022015). Collection method: clinical testing. Allele origin: germline.
Comment: This sequence change replaces proline, which is neutral and non-polar, with threonine, which is neutral and polar, at codon 427 of the INF2 protein (p.Pro427Thr). The frequency data for this variant in the population databases is considered unreliable, as metrics indicate poor data quality at this position in the gnomAD database. This variant has not been reported in the literature in individuals affected with INF2-related conditions. ClinVar contains an entry for this variant (Variation ID: 839453). Invitae Evidence Modeling of protein sequence and biophysical properties (such as structural, functional, and spatial information, amino acid conservation, physicochemical variation, residue mobility, and thermodynamic stability) indicates that this missense variant is not expected to disrupt INF2 protein function with a negative predictive value of 95%. In summary, the available evidence is currently insufficient to determine the role of this variant in disease. Therefore, it has been classified as a Variant of Uncertain Significance.

CeGaT Center for Human Genetics Tuebingen
Classification: Likely benign. Last evaluated: 2025-02-01. Review status: criteria provided, single submitter. Criteria: CeGaT Center For Human Genetics Tuebingen Variant Classification Criteria Version 2. Collection method: clinical testing. Allele origin: germline. Affected: yes. Observed: 1 variant allele.
Comment: INF2: BP4

NM_022489.4(INF2):c.1279C>A (p.Pro427Thr)

Gene: INF2 (inverted formin 2; plus strand). Cytogenetic location: 14q32.33.
Variant type: single nucleotide variant.
Coding change: c.1279C>A on transcript NM_022489.4 (MANE Select); coding-DNA position 1279, C replaced by A.
Protein change: p.Pro427Thr; replaces proline 427 with threonine.
Molecular consequence: missense variant.
Genome position (GRCh38, 1-based): chr14:104,707,546, C>A. VCF-style: chr14-104707546-C-A. GRCh37 (hg19) VCF-style: chr14-105173883-C-A.
Other names: c.1279C>A, p.Pro427Thr (NM_001031714.4); short protein forms P427T.
Identifiers: ClinVar variation 839453 (VCV000839453.22), dbSNP rs1208616690, ClinGen allele CA391216445.